The following is an entry in ClinVar:

ClinVar aggregate classification (germline): Uncertain significance (1 of 4 stars; one submission).

Allele frequency attached by ClinVar (database versions not stated): 1000 Genomes Project 30x 0.00016; TOPMed 0.00001; 1000 Genomes Project 0.00020; ExAC 0.00001; gnomAD 0.00001.
gnomAD v4.1: 35 of 1,613,730 alleles (0.0022%); highest among the groups gnomAD compares: South Asian, 0.0077%; no homozygotes.

Submission:

Ambry Genetics
Classification: Uncertain significance. Last evaluated: 2025-10-07. Review status: criteria provided, single submitter. Criteria: Ambry Variant Classification Scheme 2023. Collection method: clinical testing. Allele origin: germline.
Comment: The c.244C>T (p.R82W) alteration is located in exon 3 (coding exon 2) of the SFI1 gene. This alteration results from a C to T substitution at nucleotide position 244, causing the arginine (R) at amino acid position 82 to be replaced by a tryptophan (W). Based on data from gnomAD, the T allele has an overall frequency of 0.002% (5/280356) total alleles studied. The highest observed frequency was 0.013% (4/30596) of South Asian alleles. Based on insufficient or conflicting evidence, the clinical significance of this alteration remains unclear.

NM_001007467.3(SFI1):c.244C>T (p.Arg82Trp)

Gene: SFI1 (SFI1 centrin binding protein; plus strand). Cytogenetic location: 22q12.2.
Variant type: single nucleotide variant.
Coding change: c.244C>T on transcript NM_001007467.3 (MANE Select); coding-DNA position 244, C replaced by T.
Protein change: p.Arg82Trp; replaces arginine 82 with tryptophan.
Molecular consequence: missense variant. On other transcripts: intron variant (2).
Genome position (GRCh38, 1-based): chr22:31,528,841, C>T. VCF-style: chr22-31528841-C-T. GRCh37 (hg19) VCF-style: chr22-31924827-C-T.
Other names: c.244C>T, p.Arg82Trp (NM_001258325.1, NM_014775.4); c.93-18020C>T (NM_001258327.2, NM_001258326.2); short protein forms R82W.
Identifiers: ClinVar variation 2592992 (VCV002592992.3), dbSNP rs550696235, ClinGen allele CA10192969.